The following is an entry in ClinVar:

ClinVar aggregate classification (germline): Pathogenic/Likely pathogenic. Review status: criteria provided, multiple submitters, no conflicts (2 of 4 stars). 5 submissions from 5 submitters: Pathogenic (1); Likely pathogenic (4). Last evaluated 2025-04-28.

Conditions:
Peroxisome biogenesis disorder 4A (Zellweger) (PBD4A). Also called: Zellweger syndrome spectrum (PEX6-related). Identifiers: Orphanet 912, MedGen C3553936, MONDO:0013930, OMIM 614862. Disease mechanism: loss of function.
Heimler syndrome 2 (HMLR2). Also called: PEROXISOME BIOGENESIS DISORDER 4C. Identifiers: Orphanet 3220, MedGen C4225267, OMIM 616617, MONDO:0014709.
Peroxisome biogenesis disorder 4B (PBD4B). Also called: SPINOCEREBELLAR ATAXIA WITH BLINDNESS AND DEAFNESS 1. Identifiers: Orphanet 44, Orphanet 95433, MedGen C3553937, MONDO:0013931, OMIM 614863.
Peroxisome biogenesis disorder. Identifiers: Orphanet 79189, MedGen C1832200, MONDO:0019234. Disease mechanism: loss of function.
Autosomal recessive PEX6-related disorders.
Zellweger spectrum disorders (ZS). Also called: Zellweger syndrome; Zellweger Spectrum Disorder; Zellweger Spectrum; Zellweger Spectrum Disorder (ZSD). Identifiers: Orphanet 912, MedGen C0043459, MONDO:0019609.

Allele frequency attached by ClinVar (database versions not stated): gnomAD 0.00001; ExAC 0.00002; TOPMed 0.00002; gnomAD exomes 0.00003 and 0.00004.
gnomAD v4.1: 56 of 1,613,722 alleles (0.0035%); highest among the groups gnomAD compares: Non-Finnish European, 0.0047%; no homozygotes.

Submissions (5):

Labcorp Genetics (formerly Invitae), Labcorp
Classification: Pathogenic for Peroxisome biogenesis disorder. Last evaluated: 2025-04-28. Review status: criteria provided, single submitter. Criteria: Invitae Variant Classification Sherloc (09022015). Collection method: clinical testing. Allele origin: germline.
Comment: This sequence change creates a premature translational stop signal (p.Cys647*) in the PEX6 gene. It is expected to result in an absent or disrupted protein product. Loss-of-function variants in PEX6 are known to be pathogenic (PMID: 10408779, 21031596, 31831025). This variant is present in population databases (rs781475201, gnomAD 0.007%). This variant has not been reported in the literature in individuals affected with PEX6-related conditions. ClinVar contains an entry for this variant (Variation ID: 576022). For these reasons, this variant has been classified as Pathogenic.

Variantyx, Inc.
Classification: Likely pathogenic for Autosomal recessive PEX6-related disorders. Last evaluated: 2025-03-07. Review status: criteria provided, single submitter. Criteria: Variantyx Assertion Criteria 2022. Collection method: clinical testing. Allele origin: germline.
Comment: This is a nonsense variant in the PEX6 gene (OMIM: 601498). Pathogenic variants in this gene have been associated with autosomal recessive Heimler syndrome 2. This variant introduces a premature termination codon in exon 9 out of 17. It is expected to result in loss of function, which is a known disease mechanism for PEX6 in this disorder (PMID: 10408779, 21031596, 31831025) (PVS1). This variant has a 0.0047% maximum allele frequency in non-founder control populations (PM2_Supporting). Based on the current evidence, this variant is classified as likely pathogenic for autosomal recessive Heimler syndrome 2.

Natera, Inc.
Classification: Likely pathogenic for Zellweger syndrome. Last evaluated: 2024-08-18. Review status: criteria provided, single submitter. Criteria: Natera Variant Classification Schema (03/2026). Collection method: clinical testing. Allele origin: germline.
Comment: The c.1941C>A variant in PEX6 is a nonsense variant predicted to introduce a stop codon at amino acid 647. This variant is expected to result in nonsense mediated decay, truncation, or a dysfunctional protein product. This variant is rare in the general population with a frequency below the threshold expected for the associated phenotype(s). Given the available evidence, this variant is classified as Likely Pathogenic.

Fulgent Genetics
Classification: Likely pathogenic for Peroxisome biogenesis disorder 4A (Zellweger); Peroxisome biogenesis disorder 4B; Heimler syndrome 2. Last evaluated: 2024-01-08. Review status: criteria provided, single submitter. Criteria: ACMG Guidelines, 2015. Collection method: clinical testing. Allele origin: germline.

Baylor Genetics
Classification: Likely pathogenic for Heimler syndrome 2. Last evaluated: 2023-10-11. Review status: criteria provided, single submitter. Criteria: ACMG Guidelines, 2015. Collection method: clinical testing. Allele origin: unknown.

Literature cited by the submitters: PubMed 10408779 (cited by Labcorp Genetics (formerly Invitae), Labcorp); PubMed 21031596 (cited by Labcorp Genetics (formerly Invitae), Labcorp); PubMed 31831025 (cited by Labcorp Genetics (formerly Invitae), Labcorp).

NM_000287.4(PEX6):c.1941C>A (p.Cys647Ter)

Gene: PEX6 (peroxisomal biogenesis factor 6; minus strand). Cytogenetic location: 6p21.1.
Variant type: single nucleotide variant.
Coding change: c.1941C>A on transcript NM_000287.4 (MANE Select); coding-DNA position 1941, C replaced by A.
Protein change: p.Cys647Ter; replaces cysteine 647 with a stop codon.
Molecular consequence: nonsense. On other transcripts: non-coding transcript variant (1).
Genome position (GRCh38, 1-based): chr6:42,966,802, G>T on the plus strand (C>A on the coding strand, the complement: PEX6 is on the minus strand). VCF-style: chr6-42966802-G-T. GRCh37 (hg19) VCF-style: chr6-42934540-G-T.
Other names: c.1677C>A, p.Cys559Ter (NM_001316313.2); short protein forms C647*, C559*.
Identifiers: ClinVar variation 576022 (VCV000576022.13), dbSNP rs781475201, ClinGen allele CA3811176.